The following is an entry in ClinVar:

ClinVar aggregate classification (germline): Uncertain significance (1 of 4 stars; one submission).

Submission:

Labcorp Genetics (formerly Invitae), Labcorp
Classification: Uncertain significance. Last evaluated: 2024-08-23. Review status: criteria provided, single submitter. Criteria: Invitae Variant Classification Sherloc (09022015). Collection method: clinical testing. Allele origin: germline.
Comment: This sequence change replaces proline, which is neutral and non-polar, with leucine, which is neutral and non-polar, at codon 817 of the FN1 protein (p.Pro817Leu). The frequency data for this variant in the population databases is considered unreliable, as metrics indicate poor data quality at this position in the gnomAD database. This variant has not been reported in the literature in individuals affected with FN1-related conditions. Experimental studies and prediction algorithms are not available or were not evaluated, and the functional significance of this variant is currently unknown. In summary, the available evidence is currently insufficient to determine the role of this variant in disease. Therefore, it has been classified as a Variant of Uncertain Significance.

NM_212482.4(FN1):c.2449_2450delinsCT (p.Thr817Leu)

Gene: FN1 (fibronectin 1; minus strand). Cytogenetic location: 2q35.
Variant type: Indel.
Coding change: c.2449_2450delinsCT on transcript NM_212482.4 (MANE Select); coding-DNA positions 2449 to 2450, AC replaced by CT.
Protein change: p.Thr817Leu; replaces threonine 817 with leucine.
Molecular consequence: missense variant.
Genome position (GRCh38, 1-based): chr2:215,408,176-215,408,177, GT replaced by AG on the plus strand (AC replaced by CT on the coding strand, the reverse complement: FN1 is on the minus strand). VCF-style: chr2-215408176-GT-AG. GRCh37 (hg19) VCF-style: chr2-216272899-GT-AG.
Other names: c.2449_2450delinsCT, p.Thr817Leu (NM_001306129.2, NM_001306130.2, NM_001306131.2 and 13 more transcripts); short protein forms T817L.
Identifiers: ClinVar variation 3629041 (VCV003629041.2).